The following is an entry in ClinVar:

ClinVar aggregate classification (germline): Conflicting classifications of pathogenicity. Review status: criteria provided, conflicting classifications (1 of 4 stars). 4 submissions from 4 submitters: Uncertain significance (3); Likely benign (1). Last evaluated 2024-02-06.

Conditions:
Hereditary breast ovarian cancer syndrome. Also called: BRCA1- and BRCA2-Associated Hereditary Breast and Ovarian Cancer; Hereditary breast and/or ovarian cancer syndrome; Hereditary breast and ovarian cancer syndrome; Hereditary breast and ovarian cancer; Breast and ovarian cancer; Hereditary breast and ovarian cancer syndrome (HBOC). Identifiers: Orphanet 145, MedGen C0677776, MeSH D061325, MONDO:0003582. Disease mechanism: loss of function.
Breast-ovarian cancer, familial, susceptibility to, 2 (BROVCA2). Also called: BRCA2 Hereditary Breast and Ovarian Cancer. Identifiers: Orphanet 145, MedGen C2675520, MONDO:0012933, OMIM 612555. Disease mechanism: loss of function.
Hereditary cancer-predisposing syndrome. Also called: Hereditary neoplastic syndrome; Neoplastic Syndromes, Hereditary; Hereditary Cancer Syndrome; Tumor predisposition. Identifiers: Orphanet 140162, MedGen C0027672, MeSH D009386, MONDO:0015356.

Allele frequency attached by ClinVar (database versions not stated): gnomAD exomes below 0.00001.
gnomAD v4.1: 2 of 1,612,352 alleles (0.00012%); highest among the groups gnomAD compares: Non-Finnish European, 0.00017%; no homozygotes.

Submissions (4):

Ambry Genetics
Classification: Uncertain significance for Hereditary cancer-predisposing syndrome. Last evaluated: 2024-02-06. Review status: criteria provided, single submitter. Criteria: Ambry Variant Classification Scheme 2023. Collection method: clinical testing. Allele origin: germline.
Comment: The p.D1033G variant (also known as c.3098A>G), located in coding exon 10 of the BRCA2 gene, results from an A to G substitution at nucleotide position 3098. The aspartic acid at codon 1033 is replaced by glycine, an amino acid with similar properties. This alteration was not detected in 831 breast cancer cases but seen with a carrier frequency of 0.0006 in 839 Chinese female controls (Guo X et al. Int J Cancer, 2020 Apr;146:2175-2181). This amino acid position is highly conserved in available vertebrate species. In addition, this alteration is predicted to be deleterious by in silico analysis. Based on the available evidence, the clinical significance of this alteration remains unclear.

Labcorp Genetics (formerly Invitae), Labcorp
Classification: Uncertain significance for Hereditary breast ovarian cancer syndrome. Last evaluated: 2023-12-08. Review status: criteria provided, single submitter. Criteria: Invitae Variant Classification Sherloc (09022015). Collection method: clinical testing. Allele origin: germline.
Comment: This sequence change replaces aspartic acid, which is acidic and polar, with glycine, which is neutral and non-polar, at codon 1033 of the BRCA2 protein (p.Asp1033Gly). This variant is not present in population databases (gnomAD no frequency). This variant has not been reported in the literature in individuals affected with BRCA2-related conditions. ClinVar contains an entry for this variant (Variation ID: 1390367). Advanced modeling of protein sequence and biophysical properties (such as structural, functional, and spatial information, amino acid conservation, physicochemical variation, residue mobility, and thermodynamic stability) performed at Invitae indicates that this missense variant is not expected to disrupt BRCA2 protein function with a negative predictive value of 95%. In summary, the available evidence is currently insufficient to determine the role of this variant in disease. Therefore, it has been classified as a Variant of Uncertain Significance.

All of Us Research Program, National Institutes of Health
Classification: Uncertain significance for Breast-ovarian cancer, familial, susceptibility to, 2. Last evaluated: 2023-07-10. Review status: criteria provided, single submitter. Criteria: ACMG Guidelines, 2015. Collection method: clinical testing. Allele origin: germline. Inheritance: Autosomal dominant inheritance. Observed: 1 variant allele, 1 heterozygote.
Comment: This missense variant replaces aspartic acid with glycine at codon 1033 of the BRCA2 protein. Computational prediction suggests that this variant may have deleterious impact on protein structure and function (internally defined REVEL score threshold >= 0.7, PMID: 27666373). To our knowledge, functional studies have not been reported for this variant. This variant has not been reported in individuals affected with BRCA2-related disorders in the literature. This variant has not been identified in the general population by the Genome Aggregation Database (gnomAD). The available evidence is insufficient to determine the role of this variant in disease conclusively. Therefore, this variant is classified as a Variant of Uncertain Significance.

This study involves interpretation of variants in research participants for the purpose of population health screening. Participant phenotype was not available at the time of variant classification. Additional details can be found in publication PMID: 35346344, PMCID: PMC8962531

University of Washington Department of Laboratory Medicine, University of Washington
Classification: Likely benign for Hereditary cancer-predisposing syndrome. Last evaluated: 2023-03-23. Review status: criteria provided, single submitter. Criteria: Dines et al. (Genet Med. 2020). Collection method: curation. Allele origin: germline.
Comment: Missense variant in a coldspot region where missense variants are very unlikely to be pathogenic (PMID:31911673).

BRCA2 exon 11 coldspot. Reclassification based on statistical prior probability.

Literature cited by the submitters: PubMed 31837001 (cited by Ambry Genetics).

NM_000059.4(BRCA2):c.3098A>G (p.Asp1033Gly)

Gene: BRCA2 (BRCA2 DNA repair associated; plus strand). Cytogenetic location: 13q13.1.
Variant type: single nucleotide variant.
Coding change: c.3098A>G on transcript NM_000059.4 (MANE Select); coding-DNA position 3098, A replaced by G.
Protein change: p.Asp1033Gly; replaces aspartic acid 1033 with glycine.
Molecular consequence: missense variant.
Genome position (GRCh38, 1-based): chr13:32,337,453, A>G. VCF-style: chr13-32337453-A-G. GRCh37 (hg19) VCF-style: chr13-32911590-A-G.
Other names: c.3098A>G (NM_000059.3); short protein forms D1033G.
Identifiers: ClinVar variation 1390367 (VCV001390367.9), dbSNP rs141702094, ClinGen allele CA387775316.